The following is an entry in ClinVar:

NM_022489.4(INF2):c.667+5G>A

Gene: INF2 (inverted formin 2; plus strand). Cytogenetic location: 14q32.33.
Variant type: single nucleotide variant.
Coding change: c.667+5G>A on transcript NM_022489.4 (MANE Select); 5 bases into the intron after coding-DNA position 667, G replaced by A.
Molecular consequence: intron variant.
Genome position (GRCh38, 1-based): chr14:104,703,459, G>A. VCF-style: chr14-104703459-G-A. GRCh37 (hg19) VCF-style: chr14-105169796-G-A.
Other names: c.667+5G>A (NM_001031714.4, NM_032714.3).
Identifiers: ClinVar variation 1353820 (VCV001353820.6), dbSNP rs2140648957, ClinGen allele CA2573150529.

ClinVar aggregate classification (germline): Uncertain significance (1 of 4 stars; one submission).

Conditions:
Focal segmental glomerulosclerosis 5 (FSGS5). Identifiers: Orphanet 656, MedGen C2750475, MONDO:0013191, OMIM 613237.
Charcot-Marie-Tooth disease dominant intermediate E. Also called: CHARCOT-MARIE-TOOTH NEUROPATHY WITH FOCAL SEGMENTAL GLOMERULONEPHRITIS. Identifiers: Orphanet 93114, MedGen C4302667, MONDO:0013758, OMIM 614455.

Submission:

Labcorp Genetics (formerly Invitae), Labcorp
Classification: Uncertain significance for Charcot-Marie-Tooth disease dominant intermediate E; Focal segmental glomerulosclerosis 5. Last evaluated: 2021-05-16. Review status: criteria provided, single submitter. Criteria: Invitae Variant Classification Sherloc (09022015). Collection method: clinical testing. Allele origin: germline.
Comment: This sequence change falls in intron 4 of the INF2 gene. It does not directly change the encoded amino acid sequence of the INF2 protein. It affects a nucleotide within the consensus splice site of the intron. This variant is not present in population databases (ExAC no frequency). This variant has not been reported in the literature in individuals with INF2-related conditions. Nucleotide substitutions within the consensus splice site are a relatively common cause of aberrant splicing (PMID: 17576681, 9536098). Algorithms developed to predict the effect of sequence changes on RNA splicing suggest that this variant may disrupt the consensus splice site, but this prediction has not been confirmed by published transcriptional studies. In summary, the available evidence is currently insufficient to determine the role of this variant in disease. Therefore, it has been classified as a Variant of Uncertain Significance.

Literature cited by the submitters: PubMed 17576681; PubMed 9536098.